The following is an entry in ClinVar:

ClinVar aggregate classification (germline): Uncertain significance (1 of 4 stars; one submission).

Conditions:
Cardiovascular phenotype. Identifiers: MedGen CN230736.

Submission:

Ambry Genetics
Classification: Uncertain significance for Cardiovascular phenotype. Last evaluated: 2023-12-29. Review status: criteria provided, single submitter. Criteria: Ambry Variant Classification Scheme 2023. Collection method: clinical testing. Allele origin: germline.
Comment: The p.F494L variant (also known as c.1480T>C), located in coding exon 13 of the MYH7 gene, results from a T to C substitution at nucleotide position 1480. The phenylalanine at codon 494 is replaced by leucine, an amino acid with highly similar properties. This amino acid position is highly conserved in available vertebrate species. In addition, this alteration is predicted to be deleterious by in silico analysis. Since supporting evidence is limited at this time, the clinical significance of this alteration remains unclear.

NM_000257.4(MYH7):c.1480T>C (p.Phe494Leu)

Gene: MYH7 (myosin heavy chain 7; minus strand). Cytogenetic location: 14q11.2.
Variant type: single nucleotide variant.
Coding change: c.1480T>C on transcript NM_000257.4 (MANE Select); coding-DNA position 1480, T replaced by C.
Protein change: p.Phe494Leu; replaces phenylalanine 494 with leucine.
Molecular consequence: missense variant.
Genome position (GRCh38, 1-based): chr14:23,428,598, A>G on the plus strand (T>C on the coding strand, the complement: MYH7 is on the minus strand). VCF-style: chr14-23428598-A-G. GRCh37 (hg19) VCF-style: chr14-23897807-A-G.
Other names: c.1480T>C, p.Phe494Leu (NM_001407004.1); short protein forms F494L.
Identifiers: ClinVar variation 3230897 (VCV003230897.1), dbSNP rs1595086294, ClinGen allele CA389050503.